The following is an entry in ClinVar:

NM_000179.3(MSH6):c.2008G>T (p.Gly670Trp)

Gene: MSH6 (mutS homolog 6; plus strand). Cytogenetic location: 2p16.3.
Variant type: single nucleotide variant.
Coding change: c.2008G>T on transcript NM_000179.3 (MANE Select); coding-DNA position 2008, G replaced by T.
Protein change: p.Gly670Trp; replaces glycine 670 with tryptophan.
Molecular consequence: missense variant.
Genome position (GRCh38, 1-based): chr2:47,799,991, G>T. VCF-style: chr2-47799991-G-T. GRCh37 (hg19) VCF-style: chr2-48027130-G-T.
Other names: c.1618G>T, p.Gly540Trp (NM_001281492.2); c.1102G>T, p.Gly368Trp (NM_001281493.2, NM_001281494.2, NM_001406811.1 and 6 more transcripts); c.2104G>T, p.Gly702Trp (NM_001406795.1, NM_001406802.1); c.2008G>T, p.Gly670Trp (NM_001406796.1, NM_001406798.1, NM_001406800.1 and 3 more transcripts); c.1711G>T, p.Gly571Trp (NM_001406797.1, NM_001406801.1, NM_001406805.1 and 10 more transcripts); c.1483G>T, p.Gly495Trp (NM_001406799.1, NM_001406806.1, NM_001406807.1); c.1930G>T, p.Gly644Trp (NM_001406804.1); c.2014G>T, p.Gly672Trp (NM_001406813.1); and 1 more; short protein forms G644W, G368W, G540W, G670W, G571W, G702W, G495W, G614W.
Identifiers: ClinVar variation 1784363 (VCV001784363.3), dbSNP rs63749857, ClinGen allele CA346750678.

ClinVar aggregate classification (germline): Uncertain significance. Review status: criteria provided, multiple submitters, no conflicts (2 of 4 stars). 2 submissions from 2 submitters: Uncertain significance (2). Last evaluated 2023-09-13.

Conditions:
Endometrial carcinoma. Also called: Endometrial carcinoma, somatic. Identifiers: MedGen C0476089, MONDO:0002447, OMIM 608089, HP:0012114.
Hereditary cancer-predisposing syndrome. Also called: Neoplastic Syndromes, Hereditary; Tumor predisposition; Hereditary Cancer Syndrome; Hereditary neoplastic syndrome. Identifiers: Orphanet 140162, MedGen C0027672, MeSH D009386, MONDO:0015356.

Allele frequency attached by ClinVar (database versions not stated): gnomAD exomes below 0.00001; gnomAD 0.00001.
gnomAD v4.1: 2 of 1,613,912 alleles (0.00012%); highest among the groups gnomAD compares: African/African-American, 0.0027%; no homozygotes.

Submissions (2):

Baylor Genetics
Classification: Uncertain significance for Endometrial carcinoma. Last evaluated: 2023-09-13. Review status: criteria provided, single submitter. Criteria: ACMG Guidelines, 2015. Collection method: clinical testing. Allele origin: unknown.

Ambry Genetics
Classification: Uncertain significance for Hereditary cancer-predisposing syndrome. Last evaluated: 2020-08-12. Review status: criteria provided, single submitter. Criteria: Ambry Variant Classification Scheme 2023. Collection method: clinical testing. Allele origin: germline.
Comment: The p.G670W variant (also known as c.2008G>T), located in coding exon 4 of the MSH6 gene, results from a G to T substitution at nucleotide position 2008. The glycine at codon 670 is replaced by tryptophan, an amino acid with highly dissimilar properties. This amino acid position is well conserved in available vertebrate species. In addition, this alteration is predicted to be deleterious by in silico analysis. Since supporting evidence is limited at this time, the clinical significance of this alteration remains unclear.